The following is an entry in ClinVar:

ClinVar aggregate classification (germline): Pathogenic/Likely pathogenic. Review status: criteria provided, multiple submitters, no conflicts (2 of 4 stars). 20 submissions from 20 submitters: Pathogenic (18); Likely pathogenic (2). Last evaluated 2026-04-13.

Conditions:
GJB2-related disorder. Also called: GJB2-related condition; GJB2-related disorders. Identifiers: MedGen CN382183, MONDO:1060236.
Rare genetic deafness. Identifiers: Orphanet 96210, MedGen C5680250.
Ichthyosis, hystrix-like, with hearing loss. Also called: Hystrix-like ichthyosis with deafness. Identifiers: Orphanet 477, MedGen C1865234, MONDO:0011245.
Palmoplantar keratoderma-deafness syndrome. Also called: Keratoderma palmoplantar, with deafness; Palmoplantar keratoderma and sensorineural deafness; Hereditary palmoplantar keratoderma with deafness (subtype); Focal palmoplantar keratoderma with sensorineural deafness (subtype); Diffuse palmoplantar keratoderma with deafness (subtype). Identifiers: Orphanet 2202, MedGen C1835672, MONDO:0007852, OMIM 148350.
Knuckle pads, deafness AND leukonychia syndrome. Also called: Bart-Pumphrey syndrome. Identifiers: Orphanet 2698, MedGen C0266004, MONDO:0007866, OMIM 149200.
Mutilating keratoderma (VOWNKL). Also called: Keratoderma hereditarium mutilans. Identifiers: Orphanet 494, MedGen C0265964, MONDO:0007422, OMIM 124500.
Autosomal recessive nonsyndromic hearing loss 1A (DFNB1A). Also called: Connexin 26 deafness; Deafness nonsyndromic, Connexin 26 linked; GJB6-Related DFNB 1 Nonsyndromic Hearing Loss and Deafness; Deafness, autosomal recessive 1A; Nonsyndromic Hearing Loss and Deafness, DFNB1; GJB2-Related Autosomal Recessive Nonsyndromic Hearing Loss. Identifiers: Orphanet 90636, MedGen C2673759, MONDO:0009076, OMIM 220290.
Autosomal dominant keratitis-ichthyosis-hearing loss syndrome. Also called: Senter syndrome; KID SYNDROME, AUTOSOMAL DOMINANT; HID SYNDROME. Identifiers: Orphanet 477, MedGen C0265336, MONDO:0007850, OMIM 148210.
Autosomal dominant nonsyndromic hearing loss 3A. Identifiers: Orphanet 90635, MedGen C2675750, MONDO:0011103, OMIM 601544.
Nonsyndromic genetic hearing loss. Also called: Nonsyndromic hearing loss and deafness; Non-syndromic genetic deafness; Nonsyndromic genetic deafness. Identifiers: Orphanet 87884, MedGen C5680182, MONDO:0019497.
Autosomal recessive nonsyndromic hearing loss 1B. Also called: DEAFNESS, AUTOSOMAL RECESSIVE 1B. Identifiers: Orphanet 90636, MedGen C2675235, MONDO:0012977, OMIM 612645.
Hearing impairment. Also called: Impaired Hearing. Identifiers: MedGen C1384666, MONDO:0005365, HP:0000365.

Allele frequency attached by ClinVar (database versions not stated): ExAC 0.00008; gnomAD exomes 0.00010 and 0.00007; ESP Exome Variant Server 0.00008; 1000 Genomes Project 30x 0.00031; gnomAD 0.00015 and 0.00016; TOPMed 0.00012 and 0.00023.

Submissions 1 to 8 of 20:

PreventionGenetics, part of Exact Sciences
Classification: Pathogenic for GJB2-related condition. Last evaluated: 2026-04-13. Review status: criteria provided, single submitter. Criteria: ACMG Guidelines, 2015. Collection method: clinical testing. Allele origin: germline.
Comment: The GJB2 c.617A>G variant is predicted to result in the amino acid substitution p.Asn206Ser. This variant has been reported as pathogenic for autosomal recessive non-syndromic hearing loss (see for example, Marlin et al. 2001. PubMed ID: 11493200; Wu et al. 2002. PubMed ID: 12172394; Roux et al. 2004. PubMed ID: 15070423; Snoeckx et al. 2005. PubMed ID: 16380907; Putcha et al. 2007. PubMed ID: 17666888). This variant is reported in 0.048% of alleles in individuals of Latino descent in gnomAD. This variant is interpreted as pathogenic.

Labcorp Genetics (formerly Invitae), Labcorp
Classification: Pathogenic. Last evaluated: 2026-01-05. Review status: criteria provided, single submitter. Criteria: Invitae Variant Classification Sherloc (09022015). Collection method: clinical testing. Allele origin: germline.
Comment: This sequence change replaces asparagine, which is neutral and polar, with serine, which is neutral and polar, at codon 206 of the GJB2 protein (p.Asn206Ser). This variant is present in population databases (rs111033294, gnomAD 0.05%). This missense change has been observed in individual(s) with autosomal recessive non-syndromic deafness (PMID: 12172394, 14985372, 15070423, 15967879). In at least one individual the data is consistent with being in trans (on the opposite chromosome) from a pathogenic variant. ClinVar contains an entry for this variant (Variation ID: 44763). Invitae Evidence Modeling of protein sequence and biophysical properties (such as structural, functional, and spatial information, amino acid conservation, physicochemical variation, residue mobility, and thermodynamic stability) indicates that this missense variant is expected to disrupt GJB2 protein function with a positive predictive value of 95%. Experimental studies have shown that this missense change affects GJB2 function (PMID: 15241677, 18684989, 23967136). For these reasons, this variant has been classified as Pathogenic.

Natera, Inc.
Classification: Pathogenic for Autosomal recessive deafness type 1A. Last evaluated: 2025-09-05. Review status: criteria provided, single submitter. Criteria: Natera Variant Classification Schema (03/2026). Collection method: clinical testing. Allele origin: germline.
Comment: The c.617A>G variant in GJB2 is a missense variant predicted to cause substitution of asparagine to serine at amino acid 206. This variant is rare in the general population with a frequency below the threshold expected for the associated phenotype(s). This variant has been observed in one or more individuals affected with the associated recessive disease, as either homozygous or compound heterozygous with a second variant (PMID: 15967879, 31370293). Computational prediction algorithms indicate this variant is likely to affect gene or protein function. Given the available evidence, this variant is classified as Pathogenic.

3billion
Classification: Likely pathogenic for Autosomal recessive nonsyndromic hearing loss 1A. Last evaluated: 2024-12-19. Review status: criteria provided, single submitter. Criteria: ACMG Guidelines, 2015. Collection method: clinical testing. Allele origin: germline. Affected: yes.
Comment: The variant is observed at an extremely low frequency in the gnomAD v4.1.0 dataset (total allele frequency: 0.008%). Predicted Consequence/Location: Missense variant In silico tool predictions suggest damaging effect of the variant on gene or gene product [REVEL: 0.78 (>=0.6, sensitivity 0.68 and specificity 0.92); 3Cnet: 0.78 (>=0.6, sensitivity 0.72 and precision 0.9)]. The same nucleotide change resulting in the same amino acid change has been previously reported as pathogenic/likely pathogenic with strong evidence (ClinVar ID: VCV000044763 /PMID: 11493200). Different missense changes at the same codon (p.Asn206His, p.Asn206Thr) have been reported to be associated with GJB2-related disorder (PMID: 15479191, 30168495). Therefore, this variant is classified as Likely pathogenic according to the recommendation of ACMG/AMP guideline.

Fulgent Genetics
Classification: Pathogenic for Mutilating keratoderma; Autosomal dominant keratitis-ichthyosis-hearing loss syndrome; Palmoplantar keratoderma-deafness syndrome; Knuckle pads, deafness AND leukonychia syndrome; Autosomal recessive nonsyndromic hearing loss 1A; Autosomal dominant nonsyndromic hearing loss 3A. Last evaluated: 2024-05-22. Review status: criteria provided, single submitter. Criteria: ACMG Guidelines, 2015. Collection method: clinical testing. Allele origin: germline.

Blueprint Genetics
Classification: Pathogenic for GJB2-related disorders. Last evaluated: 2023-12-05. Review status: criteria provided, single submitter. Criteria: ACMG Guidelines, 2015. Collection method: clinical testing. Allele origin: germline. Affected: yes. Observed: 5 variant alleles.

GeneDx
Classification: Pathogenic. Last evaluated: 2023-05-24. Review status: criteria provided, single submitter. Criteria: GeneDx Variant Classification Process June 2021. Collection method: clinical testing. Allele origin: germline. Affected: yes.
Comment: Published in vitro studies demonstrate a damaging effect on the protein's function, with significantly reduced passage of dye and current through gap junction channels and slightly unstable hemichannels (Mese et al., 2008; Ambrosi et al., 2013); In silico analysis supports that this missense variant has a deleterious effect on protein structure/function; This variant is associated with the following publications: (PMID: 25262649, 26990548, 25087612, 15241677, 11493200, 25388846, 18988928, 17666888, 16864573, 15967879, 15070423, 14985372, 12865758, 12172394, 23891399, 23668481, 22796187, 24158611, 11556849, 16380907, 31370293, 31980526, 31160754, 34426522, 31589614, 33297549, 33096615, 36147510, 18684989, 23967136, 34032567)

Dasa
Classification: Pathogenic for Autosomal recessive nonsyndromic hearing loss 1A. Last evaluated: 2022-01-05. Review status: criteria provided, single submitter. Criteria: ACMG Guidelines, 2015. Collection method: clinical testing. Allele origin: germline. Affected: yes. Observed: 1 variant allele.
Comment: The c.617A>G;p.(Asn206Ser) missense variant has been observed in affected individual(s) and ClinVar contains an entry for this variant (ClinVar ID: 44763; PMID: 23668481; 16380907; 17666888; 15967879; 12172394) - PS4. Well-established in vitro or in vivo functional studies support a damaging effect on the gene or gene product (PMID: 18684989, 15241677, 16864573, 23967136) - PS3_moderate. The variant is present at low allele frequencies population databases (rs111033294– gnomAD 0.001840%; ABraOM 0.001708 frequency) - PM2_supporting. The p.(Asn206Ser) was detected in trans with a pathogenic variant (PMID: 23668481; 16380907; 17666888; 15967879; 12172394) - PM3_strong. In summary, the currently available evidence indicates that the variant is pathogenic.

NM_004004.6(GJB2):c.617A>G (p.Asn206Ser)

Gene: GJB2 (gap junction protein beta 2; minus strand). Cytogenetic location: 13q12.11.
Variant type: single nucleotide variant.
Coding change: c.617A>G on transcript NM_004004.6 (MANE Select); coding-DNA position 617, A replaced by G.
Protein change: p.Asn206Ser; replaces asparagine 206 with serine.
Molecular consequence: missense variant.
Genome position (GRCh38, 1-based): chr13:20,188,965, T>C on the plus strand (A>G on the coding strand, the complement: GJB2 is on the minus strand). VCF-style: chr13-20188965-T-C. GRCh37 (hg19) VCF-style: chr13-20763104-T-C.
Other names: short protein forms N206S.
Identifiers: ClinVar variation 44763 (VCV000044763.57), dbSNP rs111033294, ClinGen allele CA172236.
Genomic context (GRCh38, chr13:20,188,965, plus strand): 5'-ACTGGCTTTTTTGACTTCCCAGAACAATATCTAATTAGCAAATAACACAATTCAGTGACA[T>C]TCAGCAGGATGCAAATTCCAGACACTGCAATCATGAACACTGTGAAGACAGTCTTCTCCG-3'
Protein context (NP_003995.2, residues 196-216): IAVSGICILL[Asn206Ser]VTELCYLLIR